The following is an entry in ClinVar:

ClinVar aggregate classification (germline): Likely benign (1 of 4 stars; one submission).

Conditions:
Familial cancer of breast. Also called: hereditary breast carcinoma; Hereditary breast cancer; BREAST CANCER, FAMILIAL. Identifiers: Orphanet 227535, MedGen C0346153, MONDO:0016419, OMIM 114480. Disease mechanism: loss of function.

Submission:

Myriad Genetics, Inc.
Classification: Likely benign for Familial cancer of breast. Last evaluated: 2024-09-09. Review status: criteria provided, single submitter. Criteria: Myriad Autosomal Dominant, Autosomal Recessive and X-Linked Classification Criteria (2023). Collection method: clinical testing. Allele origin: unknown.
Comment: This variant is considered likely benign. This variant is intronic and is not expected to impact mRNA splicing.

NM_032043.3(BRIP1):c.2905+7A>G

Gene: BRIP1 (BRCA1 interacting DNA helicase 1; minus strand). Cytogenetic location: 17q23.2.
Variant type: single nucleotide variant.
Coding change: c.2905+7A>G on transcript NM_032043.3 (MANE Select); 7 bases into the intron after coding-DNA position 2905, A replaced by G.
Molecular consequence: intron variant.
Genome position (GRCh38, 1-based): chr17:61,685,829, T>C on the plus strand (A>G on the coding strand, the complement: BRIP1 is on the minus strand). VCF-style: chr17-61685829-T-C. GRCh37 (hg19) VCF-style: chr17-59763190-T-C.
Identifiers: ClinVar variation 3379333 (VCV003379333.1).